The following is an entry in ClinVar:

NC_000010.11:g.(?_86668564)_(86700053_?)del

Genes: LDB3 (LIM domain binding 3; plus strand), LOC130004243 (ATAC-STARR-seq lymphoblastoid active region 3695; plus strand), LOC132089876 (Neanderthal introgressed variant-containing enhancer experimental_17910; plus strand), LOC110121486 (VISTA enhancer hs2143; plus strand). Cytogenetic location: 10q23.2.
Variant type: Deletion.
Identifiers: ClinVar variation 417392 (VCV000417392.1).

ClinVar aggregate classification (germline): Uncertain significance (1 of 4 stars; one submission).

Conditions:
Myofibrillar myopathy 4. Also called: Zaspopathy (type). Identifiers: Orphanet 98912, MedGen C4721886, MONDO:0012277, OMIM 609452.

Submission:

Labcorp Genetics (formerly Invitae), Labcorp
Classification: Uncertain significance for Myofibrillar myopathy 4. Last evaluated: 2016-11-29. Review status: criteria provided, single submitter. Criteria: Invitae Variant Classification Sherloc (09022015). Collection method: clinical testing. Allele origin: germline.
Comment: A gross deletion of the genomic region encompassing the full coding sequence of the LDB3 gene has been identified. The boundaries of this event are unknown as the deletion extends beyond the assayed region for this gene and therefore may encompass additional genes. This variant has not been reported in the literature in individuals affected with any LDB3-related condition. The current clinical and genetic evidence is not sufficient to establish whether loss-of-function variants in LDB3 cause disease. Therefore, this variant has been classified as a Variant of Uncertain Significance.